The following is an entry in ClinVar:

ClinVar aggregate classification (germline): Likely benign (1 of 4 stars; one submission).

Allele frequency attached by ClinVar (database versions not stated): gnomAD 0.00003; TOPMed 0.00004; ExAC 0.00005; gnomAD exomes 0.00008.
gnomAD v4.1: 116 of 1,613,572 alleles (0.0072%); highest among the groups gnomAD compares: South Asian, 0.016%; 1 homozygote.

Submission:

CeGaT Center for Human Genetics Tuebingen
Classification: Likely benign. Last evaluated: 2026-08-01. Review status: criteria provided, single submitter. Criteria: CeGaT Center For Human Genetics Tuebingen Variant Classification Criteria Version 2. Collection method: clinical testing. Allele origin: germline. Affected: yes. Observed: 2 variant alleles.
Comment: GBA1: BP4, BP7

NM_000157.4(GBA1):c.459C>T (p.Ile153=)

Genes: GBA1 (glucosylceramidase beta 1; minus strand), LOC106627981 (GBA recombination region; plus strand). Cytogenetic location: 1q22.
Variant type: single nucleotide variant.
Coding change: c.459C>T on transcript NM_000157.4 (MANE Select); coding-DNA position 459, C replaced by T.
Protein change: p.Ile153=; no amino-acid change (isoleucine 153 retained).
Molecular consequence: synonymous variant.
Genome position (GRCh38, 1-based): chr1:155,238,646, G>A on the plus strand (C>T on the coding strand, the complement: GBA1 is on the minus strand). VCF-style: chr1-155238646-G-A. GRCh37 (hg19) VCF-style: chr1-155208437-G-A.
Other names: c.459C>T, p.Ile153= (NM_001005741.3, NM_001005742.3); c.198C>T, p.Ile66= (NM_001171811.2); c.312C>T, p.Ile104= (NM_001171812.2).
Identifiers: ClinVar variation 2639399 (VCV002639399.24), dbSNP rs772855106, ClinGen allele CA1141738.